The following is an entry in ClinVar:

NM_000091.5(COL4A3):c.4722G>A (p.Trp1574Ter)

Genes: COL4A3 (collagen type IV alpha 3 chain; plus strand), MFF-DT (MFF divergent transcript; minus strand). Cytogenetic location: 2q36.3.
Variant type: single nucleotide variant.
Coding change: c.4722G>A on transcript NM_000091.5 (MANE Select); coding-DNA position 4722, G replaced by A.
Protein change: p.Trp1574Ter; replaces tryptophan 1574 with a stop codon.
Molecular consequence: nonsense.
Genome position (GRCh38, 1-based): chr2:227,309,285, G>A. VCF-style: chr2-227309285-G-A. GRCh37 (hg19) VCF-style: chr2-228174001-G-A.
Other names: short protein forms W1574*.
Identifiers: ClinVar variation 2869562 (VCV002869562.4), dbSNP rs2469939374, ClinGen allele CA350865745.

ClinVar aggregate classification (germline): Pathogenic/Likely pathogenic. Review status: criteria provided, multiple submitters, no conflicts (2 of 4 stars). 2 submissions from 2 submitters: Pathogenic (1); Likely pathogenic (1). Last evaluated 2024-06-18.

Conditions:
Alport syndrome. Also called: Hemorrhagic familial nephritis; Hemorrhagic hereditary nephritis; Congenital hereditary hematuria. Identifiers: Orphanet 63, MedGen C1567741, MONDO:0018965.

Submissions (2):

Natera, Inc.
Classification: Likely pathogenic for Alport syndrome. Last evaluated: 2024-06-18. Review status: criteria provided, single submitter. Criteria: Natera Variant Classification Schema (03/2026). Collection method: clinical testing. Allele origin: germline.
Comment: The c.4722G>A variant in COL4A3 is a nonsense variant predicted to introduce a stop codon at amino acid 1574. This variant is expected to result in nonsense mediated decay, truncation, or a dysfunctional protein product. This variant is rare in the general population with a frequency below the threshold expected for the associated phenotype(s). Given the available evidence, this variant is classified as Likely Pathogenic.

Labcorp Genetics (formerly Invitae), Labcorp
Classification: Pathogenic. Last evaluated: 2023-01-31. Review status: criteria provided, single submitter. Criteria: Invitae Variant Classification Sherloc (09022015). Collection method: clinical testing. Allele origin: germline.
Comment: For these reasons, this variant has been classified as Pathogenic. This variant has not been reported in the literature in individuals affected with COL4A3-related conditions. This variant is not present in population databases (gnomAD no frequency). This sequence change creates a premature translational stop signal (p.Trp1574*) in the COL4A3 gene. It is expected to result in an absent or disrupted protein product. Loss-of-function variants in COL4A3 are known to be pathogenic (PMID: 8956999, 24854265, 26809805, 27281700).

Literature cited by the submitters: PubMed 8956999 (cited by Labcorp Genetics (formerly Invitae), Labcorp); PubMed 24854265 (cited by Labcorp Genetics (formerly Invitae), Labcorp); PubMed 26809805 (cited by Labcorp Genetics (formerly Invitae), Labcorp); PubMed 27281700 (cited by Labcorp Genetics (formerly Invitae), Labcorp).